The following is an entry in ClinVar:

NM_002485.5(NBN):c.1914+9C>T

Genes: NBN (nibrin; minus strand), LOC126860438 (MED14-independent group 3 enhancer GRCh37_chr8:90959982-90961181; plus strand). Cytogenetic location: 8q21.3.
Variant type: single nucleotide variant.
Coding change: c.1914+9C>T on transcript NM_002485.5 (MANE Select); 9 bases into the intron after coding-DNA position 1914, C replaced by T.
Molecular consequence: intron variant.
Genome position (GRCh38, 1-based): chr8:89,947,815, G>A on the plus strand (C>T on the coding strand, the complement: NBN is on the minus strand). VCF-style: chr8-89947815-G-A. GRCh37 (hg19) VCF-style: chr8-90960043-G-A.
Other names: c.1668+9C>T (NM_001024688.3).
Identifiers: ClinVar variation 132686 (VCV000132686.47), dbSNP rs13312938, ClinGen allele CA167541.

ClinVar aggregate classification (germline): Benign. Review status: criteria provided, multiple submitters, no conflicts (2 of 4 stars). 17 submissions from 16 submitters: Benign (13). 4 of the submissions do not count toward it. Last evaluated 2026-02-03.

Conditions:
Hereditary cancer-predisposing syndrome. Also called: Neoplastic Syndromes, Hereditary; Hereditary Cancer Syndrome; Tumor predisposition; Hereditary neoplastic syndrome. Identifiers: Orphanet 140162, MedGen C0027672, MeSH D009386, MONDO:0015356.
Hereditary breast ovarian cancer syndrome. Also called: BRCA1- and BRCA2-Associated Hereditary Breast and Ovarian Cancer; Hereditary breast and ovarian cancer; Hereditary breast and ovarian cancer syndrome; Hereditary breast and ovarian cancer syndrome (HBOC); Hereditary breast and/or ovarian cancer syndrome; Breast and ovarian cancer. Identifiers: Orphanet 145, MedGen C0677776, MeSH D061325, MONDO:0003582. Disease mechanism: loss of function.
Acute lymphoid leukemia (ALL). Also called: Acute lymphoblastic leukemia; Acute lymphocytic leukemia; Leukemia, acute lymphoblastic, somatic; Lymphoblastic leukemia. Identifiers: Orphanet 513, MedGen C0023449, MONDO:0004967, OMIM 613065, HP:0006721.
Microcephaly, normal intelligence and immunodeficiency (NBS). Also called: SEEMANOVA SYNDROME II; BERLIN BREAKAGE SYNDROME; IMMUNODEFICIENCY, MICROCEPHALY, AND CHROMOSOMAL INSTABILITY; Nijmegen breakage syndrome; Microcephaly with normal intelligence immunodeficiency and lymphoreticular malignancies; Nonsyndromal microcephaly autosomal recessive with normal intelligence. Identifiers: Orphanet 647, MedGen C0398791, MONDO:0009623, OMIM 251260.
Malignant tumor of breast. Also called: Malignant breast neoplasm; Cancer breast. Identifiers: MedGen C0006142, MONDO:0007254. Disease mechanism: loss of function.

Allele frequency attached by ClinVar (database versions not stated): ExAC 0.00903; gnomAD 0.01874 and 0.01775; TOPMed 0.01940; 1000 Genomes Project 0.02396; ESP Exome Variant Server 0.01671; gnomAD exomes 0.00388; 1000 Genomes Project 30x 0.02483.
gnomAD v4.1: 4,986 of 1,521,356 alleles (0.33%); highest among the groups gnomAD compares: African/African-American, 5.9%; 122 homozygotes.

Submissions (17):

Labcorp Genetics (formerly Invitae), Labcorp
Classification: Benign for Microcephaly, normal intelligence and immunodeficiency. Last evaluated: 2026-02-03. Review status: criteria provided, single submitter. Criteria: Invitae Variant Classification Sherloc (09022015). Collection method: clinical testing. Allele origin: germline.

Dasa
Classification: Benign. Last evaluated: 2025-11-18. Review status: criteria provided, single submitter. Criteria: DASA Assertion Criteria. Collection method: clinical testing. Allele origin: germline.
Comment: NM_002485.5(NBN):c.1914+9C>T is a splice-region variant. Population frequency is inconsistent with a disease-causing role for this variant, and observations in unaffected individuals support a benign interpretation. Computational prediction algorithms are consistent with a benign effect. Therefore, based on the currently available evidence, this variant is classified as benign.

ARUP Laboratories, Molecular Genetics and Genomics, ARUP Laboratories
Classification: Benign. Last evaluated: 2025-07-18. Review status: criteria provided, single submitter. Criteria: ARUP Molecular Germline Variant Investigation Process 2024. Collection method: clinical testing. Allele origin: germline.

KCCC/NGS Laboratory, Kuwait Cancer Control Center
Classification: Benign for Microcephaly, normal intelligence and immunodeficiency. Last evaluated: 2025-02-01. Review status: criteria provided, single submitter. Criteria: ACMG Guidelines, 2015. Collection method: clinical testing. Allele origin: germline. Affected: no.

KCCC/NGS Laboratory, Kuwait Cancer Control Center
Classification: Benign for Acute lymphoid leukemia. Last evaluated: 2023-07-07. Review status: criteria provided, single submitter. Criteria: ACMG Guidelines, 2015. Collection method: clinical testing. Allele origin: germline. Affected: yes.

National Health Laboratory Service, Universitas Academic Hospital and University of the Free State
Classification: Benign for Hereditary breast ovarian cancer syndrome. Last evaluated: 2022-04-19. Review status: criteria provided, single submitter. Criteria: ACMG Guidelines, 2015. Collection method: clinical testing. Allele origin: germline. Affected: yes. Observed: 35 variant alleles.

Mayo Clinic Laboratories, Mayo Clinic
Classification: Benign. Last evaluated: 2022-03-10. Review status: criteria provided, single submitter. Criteria: ACMG Guidelines, 2015. Collection method: clinical testing. Allele origin: germline. Observed: 8 variant alleles.

Quest Diagnostics Nichols Institute San Juan Capistrano
Classification: Benign. Last evaluated: 2020-10-09. Review status: criteria provided, single submitter. Criteria: Quest Diagnostics criteria. Collection method: clinical testing. Allele origin: unknown.

Illumina Laboratory Services, Illumina
Classification: Benign for Microcephaly, normal intelligence and immunodeficiency. Last evaluated: 2018-01-13. Review status: criteria provided, single submitter. Criteria: ICSL Variant Classification Criteria 13 December 2019. Collection method: clinical testing. Allele origin: germline.
Comment: This variant was observed in the ICSL laboratory as part of a predisposition screen in an ostensibly healthy population. It had not been previously curated by ICSL or reported in the Human Gene Mutation Database (HGMD: prior to June 1st, 2018), and was therefore a candidate for classification through an automated scoring system. Utilizing variant allele frequency, disease prevalence and penetrance estimates, and inheritance mode, an automated score was calculated to assess if this variant is too frequent to cause the disease. Based on the score and internal cut-off values, a variant classified as benign is not then subjected to further curation. The score for this variant resulted in a classification of benign for this disease.

PreventionGenetics, part of Exact Sciences
Classification: Benign. Last evaluated: 2016-11-22. Review status: criteria provided, single submitter. Criteria: ACMG Guidelines, 2015. Collection method: clinical testing. Allele origin: germline.

Color Diagnostics, LLC DBA Color Health
Classification: Benign for Hereditary cancer-predisposing syndrome. Last evaluated: 2015-04-06. Review status: criteria provided, single submitter. Criteria: ACMG Guidelines, 2015. Collection method: clinical testing. Allele origin: germline.

GeneDx
Classification: Benign. Last evaluated: 2015-03-03. Review status: criteria provided, single submitter. Criteria: GeneDx Variant Classification Process June 2021. Collection method: clinical testing. Allele origin: germline. Affected: yes.

Ambry Genetics
Classification: Benign for Hereditary cancer-predisposing syndrome. Last evaluated: 2012-08-07. Review status: criteria provided, single submitter. Criteria: Ambry Autosomal Dominant and X-Linked criteria (10/2015). Collection method: clinical testing. Allele origin: germline. Observed: 1 variant allele.

Natera, Inc.
Classification: Benign for Nijmegen breakage syndrome. Last evaluated: 2020-09-16. Review status: no assertion criteria provided. Collection method: clinical testing. Allele origin: germline. Not counted in ClinVar's aggregate classification.

Clinical Genetics DNA and cytogenetics Diagnostics Lab, Erasmus MC, Erasmus Medical Center
Classification: Benign. Review status: no assertion criteria provided. Collection method: clinical testing. Allele origin: germline. Affected: yes. Study: VKGL Data-share Consensus. Not counted in ClinVar's aggregate classification.

Department of Pathology and Laboratory Medicine, Sinai Health System
Classification: Benign for Malignant tumor of breast. Review status: no assertion criteria provided. Collection method: clinical testing. Allele origin: unknown. Affected: yes. Study: The Canadian Open Genetics Repository (COGR). Not counted in ClinVar's aggregate classification.
Comment: The NBN c.1914+9C>T variant was not identified in the literature nor was it identified in the Cosmic, LOVD 3.0, and Zhejiang Colon Cancer Database. The variant was identified in dbSNP (ID: rs13312938) â€šÃ„ÃºWith other alleleâ€šÃ„Ã¹, ClinVar (benign by Invitae and Ambry Genetics, and likely benign by Illumina), Clinvitae (2x), and in control databases in 1353 (42 homozygous) of 246988 chromosomes at a frequency of 0.005 increasing the likelihood this could be a low frequency benign variant (Genome Aggregation Consortium Feb 27, 2017), being identified in the following populations: African in 1230 (41 homozygous) of 21232 chromosomes (frequency: 0.06), Other in 19 of 5832 chromosomes (frequency: 003), Latino in 82 of 32908 chromosomes (frequency: 0.002), European Non-Finnish in 13 of 108340 chromosomes (frequency: 0.0001), East Asian in 1 of 17718 chromosomes (frequency: 0.00006), South Asian in 8 (1 homozygous) of 27888 chromosomes (frequency: 0.0003). The variant occurs outside of the splicing consensus sequence and in silico or computational prediction software programs (SpliceSiteFinder, MaxEntScan, NNSPLICE, GeneSplicer, HumanSpliceFinder) do not predict a difference in splicing. In summary, based on the above information this variant meets our laboratory's criteria to be classified as benign.

Genome Diagnostics Laboratory, Amsterdam University Medical Center
Classification: Benign. Review status: no assertion criteria provided. Collection method: clinical testing. Allele origin: germline. Affected: yes. Study: VKGL Data-share Consensus. Not counted in ClinVar's aggregate classification.